The following is an entry in ClinVar:

ClinVar aggregate classification (germline): Uncertain significance (1 of 4 stars; one submission).

Conditions:
Immunodeficiency due to CD25 deficiency. Also called: IMMUNODEFICIENCY 41 WITH LYMPHOPROLIFERATION AND AUTOIMMUNITY; CD25 DEFICIENCY; IL2RA DEFICIENCY. Identifiers: Orphanet 169100, MedGen C1853392, MONDO:0011664, OMIM 606367.

Allele frequency attached by ClinVar (database versions not stated): gnomAD exomes below 0.00001; gnomAD 0.00001; ExAC 0.00002; 1000 Genomes Project 30x 0.00016; 1000 Genomes Project 0.00020.

Submission:

Labcorp Genetics (formerly Invitae), Labcorp
Classification: Uncertain significance for Immunodeficiency due to CD25 deficiency. Last evaluated: 2024-01-25. Review status: criteria provided, single submitter. Criteria: Invitae Variant Classification Sherloc (09022015). Collection method: clinical testing. Allele origin: germline.
Comment: This sequence change replaces aspartic acid, which is acidic and polar, with asparagine, which is neutral and polar, at codon 25 of the IL2RA protein (p.Asp25Asn). This variant is present in population databases (rs201995749, gnomAD 0.006%). This variant has not been reported in the literature in individuals affected with IL2RA-related conditions. Advanced modeling of protein sequence and biophysical properties (such as structural, functional, and spatial information, amino acid conservation, physicochemical variation, residue mobility, and thermodynamic stability) performed at Invitae indicates that this missense variant is not expected to disrupt IL2RA protein function with a negative predictive value of 80%. In summary, the available evidence is currently insufficient to determine the role of this variant in disease. Therefore, it has been classified as a Variant of Uncertain Significance.

NM_000417.3(IL2RA):c.73G>A (p.Asp25Asn)

Gene: IL2RA (interleukin 2 receptor subunit alpha; minus strand). Cytogenetic location: 10p15.1.
Variant type: single nucleotide variant.
Coding change: c.73G>A on transcript NM_000417.3 (MANE Select); coding-DNA position 73, G replaced by A.
Protein change: p.Asp25Asn; replaces aspartic acid 25 with asparagine.
Molecular consequence: missense variant.
Genome position (GRCh38, 1-based): chr10:6,026,017, C>T on the plus strand (G>A on the coding strand, the complement: IL2RA is on the minus strand). VCF-style: chr10-6026017-C-T. GRCh37 (hg19) VCF-style: chr10-6067980-C-T.
Other names: c.73G>A, p.Asp25Asn (NM_001308242.2, NM_001308243.2); short protein forms D25N.
Identifiers: ClinVar variation 2801550 (VCV002801550.3), dbSNP rs201995749, ClinGen allele CA5397552.